The following is an entry in ClinVar:

ClinVar aggregate classification (germline): Likely benign. Review status: criteria provided, multiple submitters, no conflicts (2 of 4 stars). 4 submissions from 4 submitters: Likely benign (2). 2 of the submissions do not count toward it. Last evaluated 2026-06-01.

Allele frequency attached by ClinVar (database versions not stated): 1000 Genomes Project 0.00040; ExAC 0.00102; gnomAD 0.00497.

Submissions (4):

CeGaT Center for Human Genetics Tuebingen
Classification: Likely benign. Last evaluated: 2026-06-01. Review status: criteria provided, single submitter. Criteria: CeGaT Center For Human Genetics Tuebingen Variant Classification Criteria Version 2. Collection method: clinical testing. Allele origin: germline. Affected: yes. Observed: 4 variant alleles.
Comment: NCF1: BP4, BS1

Blueprint Genetics
Classification: Likely benign. Last evaluated: 2024-11-18. Review status: criteria provided, single submitter. Criteria: ACMG Guidelines, 2015. Collection method: clinical testing. Allele origin: germline.

Clinical Genetics DNA and cytogenetics Diagnostics Lab, Erasmus MC, Erasmus Medical Center
Classification: Likely benign. Review status: no assertion criteria provided. Collection method: clinical testing. Allele origin: germline. Affected: yes. Study: VKGL Data-share Consensus. Not counted in ClinVar's aggregate classification.

Genome Diagnostics Laboratory, University Medical Center Utrecht
Classification: Likely benign. Review status: no assertion criteria provided. Collection method: clinical testing. Allele origin: germline. Affected: yes. Study: VKGL Data-share Consensus. Not counted in ClinVar's aggregate classification.

NM_000265.7(NCF1):c.936C>T (p.His312=)

Genes: NCF1 (neutrophil cytosolic factor 1; plus strand), LOC106029312 (Williams-Beuren syndrome medial block B recombination region; plus strand). Cytogenetic location: 7q11.23.
Variant type: single nucleotide variant.
Coding change: c.936C>T on transcript NM_000265.7 (MANE Select); coding-DNA position 936, C replaced by T.
Protein change: p.His312=; no amino-acid change (histidine 312 retained).
Molecular consequence: synonymous variant.
Genome position (GRCh38, 1-based): chr7:74,788,589, C>T. VCF-style: chr7-74788589-C-T. GRCh37 (hg19) VCF-style: chr7-74202933-C-T.
Identifiers: ClinVar variation 1328005 (VCV001328005.27), dbSNP rs587594457, ClinGen allele CA4298251.